The following is an entry in ClinVar:

ClinVar aggregate classification (germline): Conflicting classifications of pathogenicity. Review status: criteria provided, conflicting classifications (1 of 4 stars). 2 submissions from 2 submitters: Uncertain significance (1); Likely benign (1). Last evaluated 2024-02-27.

Conditions:
Hereditary cancer-predisposing syndrome. Also called: Hereditary Cancer Syndrome; Hereditary neoplastic syndrome; Neoplastic Syndromes, Hereditary; Tumor predisposition. Identifiers: Orphanet 140162, MedGen C0027672, MeSH D009386, MONDO:0015356.
Oligodontia-cancer predisposition syndrome. Also called: TOOTH AGENESIS-COLORECTAL CANCER SYNDROME. Identifiers: Orphanet 300576, MedGen C1837750, MONDO:0012075, OMIM 608615. Disease mechanism: loss of function.

Submissions (2):

Ambry Genetics
Classification: Likely benign for Hereditary cancer-predisposing syndrome. Last evaluated: 2024-02-27. Review status: criteria provided, single submitter. Criteria: Ambry Variant Classification Scheme 2023. Collection method: clinical testing. Allele origin: germline.

Labcorp Genetics (formerly Invitae), Labcorp
Classification: Uncertain significance for Oligodontia-cancer predisposition syndrome. Last evaluated: 2023-12-17. Review status: criteria provided, single submitter. Criteria: Invitae Variant Classification Sherloc (09022015). Collection method: clinical testing. Allele origin: germline.
Comment: This sequence change replaces alanine, which is neutral and non-polar, with serine, which is neutral and polar, at codon 496 of the AXIN2 protein (p.Ala496Ser). This variant is not present in population databases (gnomAD no frequency). This variant has not been reported in the literature in individuals affected with AXIN2-related conditions. ClinVar contains an entry for this variant (Variation ID: 1062326). Algorithms developed to predict the effect of missense changes on protein structure and function output the following: SIFT: "Not Available"; PolyPhen-2: "Benign"; Align-GVGD: "Not Available". The serine amino acid residue is found in multiple mammalian species, which suggests that this missense change does not adversely affect protein function. In summary, the available evidence is currently insufficient to determine the role of this variant in disease. Therefore, it has been classified as a Variant of Uncertain Significance.

NM_004655.4(AXIN2):c.1486G>T (p.Ala496Ser)

Gene: AXIN2 (axin 2; minus strand). Cytogenetic location: 17q24.1.
Variant type: single nucleotide variant.
Coding change: c.1486G>T on transcript NM_004655.4 (MANE Select); coding-DNA position 1486, G replaced by T.
Protein change: p.Ala496Ser; replaces alanine 496 with serine.
Molecular consequence: missense variant.
Genome position (GRCh38, 1-based): chr17:65,537,550, C>A on the plus strand (G>T on the coding strand, the complement: AXIN2 is on the minus strand). VCF-style: chr17-65537550-C-A. GRCh37 (hg19) VCF-style: chr17-63533668-C-A.
Other names: c.1486G>T, p.Ala496Ser (NM_001363813.1); short protein forms A496S.
Identifiers: ClinVar variation 1062326 (VCV001062326.9), dbSNP rs773033390, ClinGen allele CA8718635.